The following is an entry in ClinVar:

ClinVar aggregate classification (germline): Uncertain significance. Review status: criteria provided, multiple submitters, no conflicts (2 of 4 stars). 2 submissions from 2 submitters: Uncertain significance (2). Last evaluated 2024-12-06.

Conditions:
Inborn genetic diseases. Identifiers: MedGen C0950123, MeSH D030342.

Allele frequency attached by ClinVar (database versions not stated): TOPMed below 0.00001; gnomAD exomes 0.00001.
gnomAD v4.1: 21 of 1,603,610 alleles (0.0013%); highest among the groups gnomAD compares: Non-Finnish European, 0.0015%; no homozygotes.

Submissions (2):

Labcorp Genetics (formerly Invitae), Labcorp
Classification: Uncertain significance. Last evaluated: 2024-12-06. Review status: criteria provided, single submitter. Criteria: Invitae Variant Classification Sherloc (09022015). Collection method: clinical testing. Allele origin: germline.
Comment: This sequence change replaces proline, which is neutral and non-polar, with leucine, which is neutral and non-polar, at codon 43 of the SCO2 protein (p.Pro43Leu). This variant is present in population databases (no rsID available, gnomAD 0.004%). This variant has not been reported in the literature in individuals affected with SCO2-related conditions. ClinVar contains an entry for this variant (Variation ID: 2045827). An algorithm developed to predict the effect of missense changes on protein structure and function (PolyPhen-2) suggests that this variant is likely to be disruptive. In summary, the available evidence is currently insufficient to determine the role of this variant in disease. Therefore, it has been classified as a Variant of Uncertain Significance.

Ambry Genetics
Classification: Uncertain significance for Inborn genetic diseases. Last evaluated: 2024-01-08. Review status: criteria provided, single submitter. Criteria: Ambry Variant Classification Scheme 2023. Collection method: clinical testing. Allele origin: germline.

NM_005138.3(SCO2):c.128C>T (p.Pro43Leu)

Genes: NCAPH2 (non-SMC condensin II complex subunit H2; plus strand), SCO2 (synthesis of cytochrome C oxidase 2; minus strand). Cytogenetic location: 22q13.33.
Variant type: single nucleotide variant.
Coding change: c.128C>T on transcript NM_005138.3 (MANE Select); coding-DNA position 128, C replaced by T.
Protein change: p.Pro43Leu; replaces proline 43 with leucine.
Molecular consequence: missense variant. On other transcripts: 3 prime UTR variant (2).
Genome position (GRCh38, 1-based): chr22:50,524,284, G>A on the plus strand (C>T on the coding strand, the complement: SCO2 is on the minus strand). VCF-style: chr22-50524284-G-A. GRCh37 (hg19) VCF-style: chr22-50962713-G-A.
Other names: c.*909G>A (NM_001185011.2, NM_152299.4); c.128C>T, p.Pro43Leu (NM_001169109.2, NM_001169110.1, NM_001169111.2); short protein forms P43L.
Identifiers: ClinVar variation 2045827 (VCV002045827.4), dbSNP rs1380496419, ClinGen allele CA412194085.
Genomic context (GRCh38, chr22:50,524,284, plus strand): 5'-ATCAGCAGCCGGGTTCGAAGCCCAGGGCCCTGGGGCTGGCCCTGCCCACCTGTCTCTGCA[G>A]GGCCCTGCCTTGACAAAAGCCAGGACCTCAGATGCAGGGCCTGGCCTCCCAGGGTCCCAG-3'
Protein context (NP_005129.2, residues 33-53): LRSWLLSRQG[Pro43Leu]AETGGQGQPQ